The following is an entry in ClinVar:

ClinVar aggregate classification (germline): Uncertain significance. Review status: criteria provided, multiple submitters, no conflicts (2 of 4 stars). 5 submissions from 5 submitters: Uncertain significance (5). Last evaluated 2025-03-04.

Conditions:
LAMA1-related disorder. Also called: LAMA1-related disorders; LAMA1-related condition.
Inborn genetic diseases. Identifiers: MedGen C0950123, MeSH D030342.

Allele frequency attached by ClinVar (database versions not stated): TOPMed 0.00009; ExAC 0.00015.
gnomAD v4.1: 179 of 1,614,082 alleles (0.011%); highest among the groups gnomAD compares: Middle Eastern, 0.066%; no homozygotes.

Submissions (5):

Ambry Genetics
Classification: Uncertain significance for Inborn genetic diseases. Last evaluated: 2025-03-04. Review status: criteria provided, single submitter. Criteria: Ambry Variant Classification Scheme 2023. Collection method: clinical testing. Allele origin: germline.

Blueprint Genetics
Classification: Uncertain significance. Last evaluated: 2024-05-31. Review status: criteria provided, single submitter. Criteria: ACMG Guidelines, 2015. Collection method: clinical testing. Allele origin: germline.

Labcorp Genetics (formerly Invitae), Labcorp
Classification: Uncertain significance. Last evaluated: 2024-01-02. Review status: criteria provided, single submitter. Criteria: Invitae Variant Classification Sherloc (09022015). Collection method: clinical testing. Allele origin: germline.
Comment: This sequence change replaces histidine, which is basic and polar, with proline, which is neutral and non-polar, at codon 2557 of the LAMA1 protein (p.His2557Pro). This variant is present in population databases (rs764906747, gnomAD 0.04%). This variant has not been reported in the literature in individuals affected with LAMA1-related conditions. ClinVar contains an entry for this variant (Variation ID: 1422652). Advanced modeling of protein sequence and biophysical properties (such as structural, functional, and spatial information, amino acid conservation, physicochemical variation, residue mobility, and thermodynamic stability) performed at Invitae indicates that this missense variant is expected to disrupt LAMA1 protein function with a positive predictive value of 80%. In summary, the available evidence is currently insufficient to determine the role of this variant in disease. Therefore, it has been classified as a Variant of Uncertain Significance.

PreventionGenetics, part of Exact Sciences
Classification: Uncertain significance for LAMA1-related condition. Last evaluated: 2023-06-23. Review status: criteria provided, single submitter. Criteria: ACMG Guidelines, 2015. Collection method: clinical testing. Allele origin: germline.
Comment: The LAMA1 c.7670A>C variant is predicted to result in the amino acid substitution p.His2557Pro. To our knowledge, this variant has not been reported in the literature. This variant is reported in 0.039% of alleles in individuals of South Asian descent in gnomAD. At this time, the clinical significance of this variant is uncertain due to the absence of conclusive functional and genetic evidence.

GeneDx
Classification: Uncertain significance. Last evaluated: 2023-05-18. Review status: criteria provided, single submitter. Criteria: GeneDx Variant Classification Process June 2021. Collection method: clinical testing. Allele origin: germline. Affected: yes.
Comment: In silico analysis supports that this missense variant has a deleterious effect on protein structure/function; Has not been previously published as pathogenic or benign to our knowledge

NM_005559.4(LAMA1):c.7670A>C (p.His2557Pro)

Genes: LAMA1 (laminin subunit alpha 1; minus strand), LOC126862685 (BRD4-independent group 4 enhancer GRCh37_chr18:6958646-6959845; plus strand). Cytogenetic location: 18p11.31.
Variant type: single nucleotide variant.
Coding change: c.7670A>C on transcript NM_005559.4 (MANE Select); coding-DNA position 7670, A replaced by C.
Protein change: p.His2557Pro; replaces histidine 2557 with proline.
Molecular consequence: missense variant.
Genome position (GRCh38, 1-based): chr18:6,959,449, T>G on the plus strand (A>C on the coding strand, the complement: LAMA1 is on the minus strand). VCF-style: chr18-6959449-T-G. GRCh37 (hg19) VCF-style: chr18-6959448-T-G.
Other names: c.7670A>C (NM_005559.3); short protein forms H2557P.
Identifiers: ClinVar variation 1422652 (VCV001422652.8), dbSNP rs764906747, ClinGen allele CA8880822.
Genomic context (GRCh38, chr18:6,959,449, plus strand): 5'-GTACCCGTGGGAGCGTGCAGGAGAGCTTTTCTCAGGCCTGTCCCATCCCCAGGATTGACA[T>G]GTACCTCAATGTTGCCTCCGATCAGCATGACGGAAAAGAAGGGCTGGGGAGGTTGCATAG-3'
Protein context (NP_005550.2, residues 2547-2567): VMLIGGNIEV[His2557Pro]VNPGDGTGLR